The following is an entry in ClinVar:

NM_001330700.2(TOP2B):c.1327C>G (p.Gln443Glu)

Gene: TOP2B (DNA topoisomerase II beta; minus strand). Cytogenetic location: 3p24.2.
Variant type: single nucleotide variant.
Coding change: c.1327C>G on transcript NM_001330700.2 (MANE Select); coding-DNA position 1327, C replaced by G.
Protein change: p.Gln443Glu; replaces glutamine 443 with glutamic acid.
Molecular consequence: missense variant.
Genome position (GRCh38, 1-based): chr3:25,630,879, G>C on the plus strand (C>G on the coding strand, the complement: TOP2B is on the minus strand). VCF-style: chr3-25630879-G-C. GRCh37 (hg19) VCF-style: chr3-25672370-G-C.
Other names: c.1312C>G, p.Gln438Glu (NM_001068.3); short protein forms Q438E, Q443E.
Identifiers: ClinVar variation 2508263 (VCV002508263.3), dbSNP rs745503698, ClinGen allele CA2288696.

ClinVar aggregate classification (germline): Uncertain significance. Review status: criteria provided, multiple submitters, no conflicts (2 of 4 stars). 2 submissions from 2 submitters: Uncertain significance (2). Last evaluated 2025-06-12.

Allele frequency attached by ClinVar (database versions not stated): ExAC 0.00001; gnomAD 0.00001; gnomAD exomes 0.00001; TOPMed 0.00003.
gnomAD v4.1: 12 of 1,605,546 alleles (0.00075%); highest among the groups gnomAD compares: East Asian, 0.027%; no homozygotes.

Submissions (2):

Labcorp Genetics (formerly Invitae), Labcorp
Classification: Uncertain significance. Last evaluated: 2025-06-12. Review status: criteria provided, single submitter. Criteria: Invitae Variant Classification Sherloc (09022015). Collection method: clinical testing. Allele origin: germline.
Comment: This sequence change replaces glutamine, which is neutral and polar, with glutamic acid, which is acidic and polar, at codon 438 of the TOP2B protein (p.Gln438Glu). This variant is present in population databases (rs745503698, gnomAD 0.03%). This variant has not been reported in the literature in individuals affected with TOP2B-related conditions. ClinVar contains an entry for this variant (Variation ID: 2508263). An algorithm developed to predict the effect of missense changes on protein structure and function (PolyPhen-2) suggests that this variant is likely to be tolerated. In summary, the available evidence is currently insufficient to determine the role of this variant in disease. Therefore, it has been classified as a Variant of Uncertain Significance.

Ambry Genetics
Classification: Uncertain significance. Last evaluated: 2023-04-06. Review status: criteria provided, single submitter. Criteria: Ambry Variant Classification Scheme 2023. Collection method: clinical testing. Allele origin: germline.